The following is an entry in ClinVar:

NM_005732.4(RAD50):c.3939A>T (p.Ter1313Tyr)

Genes: TH2LCRR (T helper type 2 locus control region associated RNA; minus strand), RAD50 (RAD50 double strand break repair protein; plus strand). Cytogenetic location: 5q31.1.
Variant type: single nucleotide variant.
Coding change: c.3939A>T on transcript NM_005732.4 (MANE Select); coding-DNA position 3939, A replaced by T.
Protein change: p.Ter1313Tyr.
Molecular consequence: stop lost.
Genome position (GRCh38, 1-based): chr5:132,642,364, A>T. VCF-style: chr5-132642364-A-T. GRCh37 (hg19) VCF-style: chr5-131978056-A-T.
Other names: *1313Y; *1313Yext*66.
Identifiers: ClinVar variation 5873 (VCV000005873.14), dbSNP rs121912629, ClinGen allele CA117823.

ClinVar aggregate classification (germline): Conflicting classifications of pathogenicity. Review status: criteria provided, conflicting classifications (1 of 4 stars). 3 submissions from 3 submitters: Likely pathogenic (1); Uncertain significance (1). 1 of the submissions does not count toward it. Last evaluated 2021-03-17.

Conditions:
Hereditary cancer-predisposing syndrome. Also called: Hereditary Cancer Syndrome; Neoplastic Syndromes, Hereditary; Hereditary neoplastic syndrome; Tumor predisposition. Identifiers: Orphanet 140162, MedGen C0027672, MeSH D009386, MONDO:0015356.
Nijmegen breakage syndrome-like disorder (NBSLD). Also called: MICROCEPHALY AND SPONTANEOUS CHROMOSOME INSTABILITY WITHOUT IMMUNODEFICIENCY; NBS-LIKE DISORDER; RAD50 DEFICIENCY. Identifiers: Orphanet 240760, MedGen C2751318, MONDO:0013118, OMIM 613078.

Allele frequency attached by ClinVar (database versions not stated): TOPMed below 0.00001; gnomAD 0.00001.

Submissions (3):

Ambry Genetics
Classification: Likely pathogenic for Hereditary cancer-predisposing syndrome. Last evaluated: 2021-03-17. Review status: criteria provided, single submitter. Criteria: Ambry Variant Classification Scheme 2023. Collection method: clinical testing. Allele origin: germline.
Comment: The c.3939A>T variant (also known as p.*1313Yext*66), located in coding exon 25 of the RAD50 gene, results from an A to T substitution at nucleotide position 3939, which is the last nucleotide of the RAD50 gene. The stop codon at position 1313 is replaced by Tyrosine, resulting in an elongation of the protein by 66 amino acids. This alteration has been reported in a compound heterozygous state in a patient with Nijmegen breakage syndrome-like disorder (Waltes R et al. Am. J. Hum. Genet., 2009 May;84:605-16). Further analysis by Waltes et al. revealed a protein band of increased molecular weight consistent with this protein elongation; authors conclude that the very low amount of this larger protein was likely a result of either of protein instability or unstable nonstop mRNA. Based on the majority of available evidence to date, this variant is likely to be pathogenic.

Labcorp Genetics (formerly Invitae), Labcorp
Classification: Uncertain significance for Hereditary cancer-predisposing syndrome. Last evaluated: 2021-02-05. Review status: criteria provided, single submitter. Criteria: Invitae Variant Classification Sherloc (09022015). Collection method: clinical testing. Allele origin: germline.
Comment: In summary, the available evidence is currently insufficient to determine the role of this variant in disease. Therefore, it has been classified as a Variant of Uncertain Significance. This variant has been observed in an individual affected with Nijmegen breakage syndrome-like disorder (PMID: 19409520). ClinVar contains an entry for this variant (Variation ID: 5873). This variant is not present in population databases (ExAC no frequency). This sequence change disrupts the translational stop signal of the RAD50 mRNA. It is expected to extend the length of the RAD50 protein by 66 additional amino acid residues.

OMIM
Classification: Pathogenic for NIJMEGEN BREAKAGE SYNDROME-LIKE DISORDER. Last evaluated: 2009-05-01. Review status: no assertion criteria provided. Collection method: literature only. Allele origin: germline. Not counted in ClinVar's aggregate classification.

Literature cited by the submitters: PubMed 19409520 (cited by 3 submitters); PubMed 21757780 (cited by Ambry Genetics); PubMed 1887849 (cited by OMIM).